The following is an entry in ClinVar:

NM_006206.6(PDGFRA):c.1184T>C (p.Val395Ala)

Gene: PDGFRA (platelet derived growth factor receptor alpha; plus strand). Cytogenetic location: 4q12.
Variant type: single nucleotide variant.
Coding change: c.1184T>C on transcript NM_006206.6 (MANE Select); coding-DNA position 1184, T replaced by C.
Protein change: p.Val395Ala; replaces valine 395 with alanine.
Molecular consequence: missense variant.
Genome position (GRCh38, 1-based): chr4:54,270,695, T>C. VCF-style: chr4-54270695-T-C. GRCh37 (hg19) VCF-style: chr4-55136862-T-C.
Other names: c.1184T>C, p.Val395Ala (NM_001347827.2, NM_001347829.2); c.1259T>C, p.Val420Ala (NM_001347828.2); c.1223T>C, p.Val408Ala (NM_001347830.2); short protein forms V408A, V395A, V420A.
Identifiers: ClinVar variation 2149431 (VCV002149431.6), dbSNP rs1252610121, ClinGen allele CA356892002.

ClinVar aggregate classification (germline): Conflicting classifications of pathogenicity. Review status: criteria provided, conflicting classifications (1 of 4 stars). 3 submissions from 3 submitters: Uncertain significance (2); Likely benign (1). Last evaluated 2024-08-21.

Conditions:
Gastrointestinal stromal tumor. Also called: Gastrointestinal stroma tumor; Gastrointestinal stromal tumor, somatic. Identifiers: Orphanet 44890, MedGen C0238198, MeSH D046152, MONDO:0011719, OMIM 606764, HP:0100723.
Hereditary cancer-predisposing syndrome. Also called: Neoplastic Syndromes, Hereditary; Tumor predisposition; Hereditary Cancer Syndrome; Hereditary neoplastic syndrome. Identifiers: Orphanet 140162, MedGen C0027672, MeSH D009386, MONDO:0015356.

Allele frequency attached by ClinVar (database versions not stated): gnomAD exomes below 0.00001.
gnomAD v4.1: 4 of 1,612,252 alleles (0.00025%); highest among the groups gnomAD compares: Admixed American, 0.0033%; no homozygotes.

Submissions (3):

Ambry Genetics
Classification: Likely benign for Hereditary cancer-predisposing syndrome. Last evaluated: 2024-08-21. Review status: criteria provided, single submitter. Criteria: Ambry Variant Classification Scheme 2023. Collection method: clinical testing. Allele origin: germline.

Blueprint Genetics
Classification: Uncertain significance. Last evaluated: 2022-11-25. Review status: criteria provided, single submitter. Criteria: ACMG Guidelines, 2015. Collection method: clinical testing. Allele origin: germline.

Labcorp Genetics (formerly Invitae), Labcorp
Classification: Uncertain significance for Gastrointestinal stromal tumor. Last evaluated: 2022-06-19. Review status: criteria provided, single submitter. Criteria: Invitae Variant Classification Sherloc (09022015). Collection method: clinical testing. Allele origin: germline.
Comment: This variant is present in population databases (no rsID available, gnomAD 0.006%). This sequence change replaces valine, which is neutral and non-polar, with alanine, which is neutral and non-polar, at codon 395 of the PDGFRA protein (p.Val395Ala). In summary, the available evidence is currently insufficient to determine the role of this variant in disease. Therefore, it has been classified as a Variant of Uncertain Significance. Algorithms developed to predict the effect of sequence changes on RNA splicing suggest that this variant may create or strengthen a splice site. Algorithms developed to predict the effect of missense changes on protein structure and function (SIFT, PolyPhen-2, Align-GVGD) all suggest that this variant is likely to be tolerated. This variant has not been reported in the literature in individuals affected with PDGFRA-related conditions.